The following is an entry in ClinVar:

NM_000098.3(CPT2):c.983A>G (p.Asp328Gly)

Gene: CPT2 (carnitine palmitoyltransferase 2; plus strand). Cytogenetic location: 1p32.3.
Variant type: single nucleotide variant.
Coding change: c.983A>G on transcript NM_000098.3 (MANE Select); coding-DNA position 983, A replaced by G.
Protein change: p.Asp328Gly; replaces aspartic acid 328 with glycine.
Molecular consequence: missense variant.
Genome position (GRCh38, 1-based): chr1:53,210,657, A>G. VCF-style: chr1-53210657-A-G. GRCh37 (hg19) VCF-style: chr1-53676329-A-G.
Other names: c.983A>G, p.Asp328Gly (NM_001330589.2); short protein forms D328G.
Identifiers: ClinVar variation 130887 (VCV000130887.28), dbSNP rs515726175, ClinGen allele CA347758.

ClinVar aggregate classification (germline): Likely pathogenic. Review status: criteria provided, single submitter (1 of 4 stars). 2 submissions from 2 submitters: Likely pathogenic (1). 1 of the submissions does not count toward it. Last evaluated 2023-08-16.

Conditions:
Carnitine palmitoyltransferase II deficiency. Also called: Carnitine Palmitoyltransferase 2 Deficiency. Identifiers: Orphanet 157, MedGen C0342790, MONDO:0015515.

Allele frequency attached by ClinVar (database versions not stated): gnomAD exomes below 0.00001.

Submissions (2):

Labcorp Genetics (formerly Invitae), Labcorp
Classification: Likely pathogenic for Carnitine palmitoyltransferase II deficiency. Last evaluated: 2023-08-16. Review status: criteria provided, single submitter. Criteria: Invitae Variant Classification Sherloc (09022015). Collection method: clinical testing. Allele origin: germline.
Comment: ClinVar contains an entry for this variant (Variation ID: 130887). This missense change has been observed in individual(s) with carnitine palmitoyltransferase II deficiency (PMID: 12673791). This variant is present in population databases (no rsID available, gnomAD 0.003%). This sequence change replaces aspartic acid, which is acidic and polar, with glycine, which is neutral and non-polar, at codon 328 of the CPT2 protein (p.Asp328Gly). Advanced modeling of protein sequence and biophysical properties (such as structural, functional, and spatial information, amino acid conservation, physicochemical variation, residue mobility, and thermodynamic stability) performed at Invitae indicates that this missense variant is expected to disrupt CPT2 protein function. In summary, the currently available evidence indicates that the variant is pathogenic, but additional data are needed to prove that conclusively. Therefore, this variant has been classified as Likely Pathogenic.

GeneReviews
No classification provided. Condition: Carnitine palmitoyltransferase II deficiency. Review status: no classification provided. Collection method: literature only. Allele origin: germline. Not counted in ClinVar's aggregate classification.

Literature cited by the submitters: PubMed 12673791 (cited by Labcorp Genetics (formerly Invitae), Labcorp); NCBI Bookshelf NBK1253 (cited by GeneReviews); PubMed 20301431 (cited by GeneReviews).